The following is an entry in ClinVar:

NM_153704.6(TMEM67):c.1815G>C (p.Gln605His)

Gene: TMEM67 (transmembrane protein 67; plus strand). Cytogenetic location: 8q22.1.
Variant type: single nucleotide variant.
Coding change: c.1815G>C on transcript NM_153704.6 (MANE Select); coding-DNA position 1815, G replaced by C.
Protein change: p.Gln605His; replaces glutamine 605 with histidine.
Molecular consequence: missense variant. On other transcripts: non-coding transcript variant (1).
Genome position (GRCh38, 1-based): chr8:93,795,942, G>C. VCF-style: chr8-93795942-G-C. GRCh37 (hg19) VCF-style: chr8-94808170-G-C.
Other names: c.1572G>C, p.Gln524His (NM_001142301.1); short protein forms Q524H, Q605H.
Identifiers: ClinVar variation 3898927 (VCV003898927.1).
Genomic context (GRCh38, chr8:93,795,942, plus strand): 5'-CAAGTAATTTTTATTATAGGCACAGAAGTCTGTGTCTGTTTTGCTGCCAATGCCAATTCA[G>C]GAAGAACGTTTTGTCACTTATGTTGGATGTGCCTTTGCTCTGAAGGTAAGTTTTAAAGGA-3'
Protein context (NP_714915.3, residues 595-615): SVSVLLPMPI[Gln605His]EERFVTYVGC

ClinVar aggregate classification (germline): Uncertain significance (1 of 4 stars; one submission).

Submission:

GeneDx
Classification: Uncertain significance. Last evaluated: 2024-11-08. Review status: criteria provided, single submitter. Criteria: GeneDx Variant Classification Process June 2021. Collection method: clinical testing. Allele origin: germline. Affected: yes.
Comment: Not observed at significant frequency in large population cohorts (gnomAD); In silico analysis supports that this missense variant has a deleterious effect on protein structure/function; Has not been previously published as pathogenic or benign to our knowledge